The following is an entry in ClinVar:

ClinVar aggregate classification (germline): Uncertain significance (1 of 4 stars; one submission).

Conditions:
Charcot-Marie-Tooth disease axonal type 2Z. Also called: CHARCOT-MARIE-TOOTH DISEASE, AXONAL, AUTOSOMAL DOMINANT, TYPE 2Z; CHARCOT-MARIE-TOOTH NEUROPATHY, TYPE 2Z. Identifiers: Orphanet 466768, MedGen C5569025, MONDO:0014736, OMIM 616688.

Allele frequency attached by ClinVar (database versions not stated): gnomAD exomes below 0.00001.
gnomAD v4.1: 4 of 1,614,150 alleles (0.00025%); highest among the groups gnomAD compares: East Asian, 0.0022%; no homozygotes.

Submission:

Labcorp Genetics (formerly Invitae), Labcorp
Classification: Uncertain significance for Charcot-Marie-Tooth disease axonal type 2Z. Last evaluated: 2022-06-15. Review status: criteria provided, single submitter. Criteria: Invitae Variant Classification Sherloc (09022015). Collection method: clinical testing. Allele origin: germline.
Comment: In summary, the available evidence is currently insufficient to determine the role of this variant in disease. Therefore, it has been classified as a Variant of Uncertain Significance. Variants that disrupt the consensus splice site are a relatively common cause of aberrant splicing (PMID: 17576681, 9536098). Algorithms developed to predict the effect of sequence changes on RNA splicing suggest that this variant may create or strengthen a splice site. Experimental studies and prediction algorithms are not available or were not evaluated, and the functional significance of this variant is currently unknown. This variant has not been reported in the literature in individuals affected with MORC2-related conditions. This variant is present in population databases (no rsID available, gnomAD 0.006%). This sequence change replaces alanine, which is neutral and non-polar, with threonine, which is neutral and polar, at codon 457 of the MORC2 protein (p.Ala457Thr). This variant also falls at the last nucleotide of exon 14, which is part of the consensus splice site for this exon.

Literature cited by the submitters: PubMed 17576681; PubMed 9536098.

NM_001303256.3(MORC2):c.1369G>A (p.Ala457Thr)

Gene: MORC2 (MORC family CW-type zinc finger 2; minus strand). Cytogenetic location: 22q12.2.
Variant type: single nucleotide variant.
Coding change: c.1369G>A on transcript NM_001303256.3 (MANE Select); coding-DNA position 1369, G replaced by A.
Protein change: p.Ala457Thr; replaces alanine 457 with threonine.
Molecular consequence: missense variant.
Genome position (GRCh38, 1-based): chr22:30,937,815, C>T on the plus strand (G>A on the coding strand, the complement: MORC2 is on the minus strand). VCF-style: chr22-30937815-C-T. GRCh37 (hg19) VCF-style: chr22-31333802-C-T.
Other names: c.1369G>A, p.Ala457Thr (NM_001303257.2); c.1183G>A, p.Ala395Thr (NM_014941.3); short protein forms A395T, A457T.
Identifiers: ClinVar variation 1968327 (VCV001968327.5), dbSNP rs1240259176, ClinGen allele CA411238588.